The following is an entry in ClinVar:

NM_002227.4(JAK1):c.2501A>G (p.Gln834Arg)

Gene: JAK1 (Janus kinase 1; minus strand). Cytogenetic location: 1p31.3.
Variant type: single nucleotide variant.
Coding change: c.2501A>G on transcript NM_002227.4 (MANE Select); coding-DNA position 2501, A replaced by G.
Protein change: p.Gln834Arg; replaces glutamine 834 with arginine.
Molecular consequence: missense variant.
Genome position (GRCh38, 1-based): chr1:64,841,504, T>C on the plus strand (A>G on the coding strand, the complement: JAK1 is on the minus strand). VCF-style: chr1-64841504-T-C. GRCh37 (hg19) VCF-style: chr1-65307187-T-C.
Other names: c.2501A>G, p.Gln834Arg (NM_001320923.2, NM_001321852.2, NM_001321853.2 and 3 more transcripts); c.2498A>G, p.Gln833Arg (NM_001321857.2); short protein forms Q834R, Q833R.
Identifiers: ClinVar variation 3650781 (VCV003650781.2).
Genomic context (GRCh38, chr1:64,841,504, plus strand): 5'-GTCTTACTCTGCTCTTCAAGCTTATTAATGTCTCTCATGATGGCTCGGAAGAAAGGCCTC[T>C]GATTGGGGTCATAGTTCATGCAGCGGGTCATGAGGTCAGCCAGCTCCTTACATGATGGTG-3'
Protein context (NP_002218.2, residues 824-844): MTRCMNYDPN[Gln834Arg]RPFFRAIMRD

ClinVar aggregate classification (germline): Uncertain significance (1 of 4 stars; one submission).

gnomAD v4.1: 11 of 1,614,192 alleles (0.00068%); highest among the groups gnomAD compares: East Asian, 0.022%; no homozygotes.

Submission:

Labcorp Genetics (formerly Invitae), Labcorp
Classification: Uncertain significance. Last evaluated: 2025-01-15. Review status: criteria provided, single submitter. Criteria: Invitae Variant Classification Sherloc (09022015). Collection method: clinical testing. Allele origin: germline.
Comment: This sequence change replaces glutamine, which is neutral and polar, with arginine, which is basic and polar, at codon 834 of the JAK1 protein (p.Gln834Arg). This variant is not present in population databases (gnomAD no frequency). This variant has not been reported in the literature in individuals affected with JAK1-related conditions. Invitae Evidence Modeling of protein sequence and biophysical properties (such as structural, functional, and spatial information, amino acid conservation, physicochemical variation, residue mobility, and thermodynamic stability) indicates that this missense variant is not expected to disrupt JAK1 protein function with a negative predictive value of 80%. In summary, the available evidence is currently insufficient to determine the role of this variant in disease. Therefore, it has been classified as a Variant of Uncertain Significance.